The following is an entry in ClinVar:

NM_001843.4(CNTN1):c.971G>A (p.Arg324Lys)

Gene: CNTN1 (contactin 1; plus strand). Cytogenetic location: 12q12.
Variant type: single nucleotide variant.
Coding change: c.971G>A on transcript NM_001843.4 (MANE Select); coding-DNA position 971, G replaced by A.
Protein change: p.Arg324Lys; replaces arginine 324 with lysine.
Molecular consequence: missense variant.
Genome position (GRCh38, 1-based): chr12:40,933,864, G>A. VCF-style: chr12-40933864-G-A. GRCh37 (hg19) VCF-style: chr12-41327666-G-A.
Other names: c.971G>A (NM_001843.2); c.971G>A, p.Arg324Lys (NM_001256063.2, NM_001256064.2); c.938G>A, p.Arg313Lys (NM_175038.2); short protein forms R324K, R313K.
Identifiers: ClinVar variation 537196 (VCV000537196.8), dbSNP rs148624625, ClinGen allele CA6516747.

ClinVar aggregate classification (germline): Uncertain significance. Review status: criteria provided, multiple submitters, no conflicts (2 of 4 stars). 2 submissions from 2 submitters: Uncertain significance (2). Last evaluated 2025-08-19.

Conditions:
Inborn genetic diseases. Identifiers: MedGen C0950123, MeSH D030342.
Compton-North congenital myopathy (CMYO12). Identifiers: Orphanet 210163, MedGen C2675527, MONDO:0012929, OMIM 612540.

Allele frequency attached by ClinVar (database versions not stated): ExAC 0.00003; gnomAD 0.00003 and 0.00004; TOPMed 0.00003; ESP Exome Variant Server 0.00008.
gnomAD v4.1: 67 of 1,610,960 alleles (0.0042%); highest among the groups gnomAD compares: Non-Finnish European, 0.0055%; no homozygotes.

Submissions (2):

Ambry Genetics
Classification: Uncertain significance for Inborn genetic diseases. Last evaluated: 2025-08-19. Review status: criteria provided, single submitter. Criteria: Ambry Variant Classification Scheme 2023. Collection method: clinical testing. Allele origin: germline.

Labcorp Genetics (formerly Invitae), Labcorp
Classification: Uncertain significance for Compton-North congenital myopathy. Last evaluated: 2024-12-06. Review status: criteria provided, single submitter. Criteria: Invitae Variant Classification Sherloc (09022015). Collection method: clinical testing. Allele origin: germline.
Comment: This sequence change replaces arginine, which is basic and polar, with lysine, which is basic and polar, at codon 324 of the CNTN1 protein (p.Arg324Lys). This variant is present in population databases (rs148624625, gnomAD 0.005%). This variant has not been reported in the literature in individuals affected with CNTN1-related conditions. ClinVar contains an entry for this variant (Variation ID: 537196). Invitae Evidence Modeling of protein sequence and biophysical properties (such as structural, functional, and spatial information, amino acid conservation, physicochemical variation, residue mobility, and thermodynamic stability) indicates that this missense variant is not expected to disrupt CNTN1 protein function with a negative predictive value of 95%. In summary, the available evidence is currently insufficient to determine the role of this variant in disease. Therefore, it has been classified as a Variant of Uncertain Significance.